The following is an entry in ClinVar:

ClinVar aggregate classification (germline): Pathogenic (1 of 4 stars; one submission).

Conditions:
Acid sphingomyelinase deficiency. Identifiers: Orphanet 618899, MedGen C5243927, MONDO:0100464.

Submission:

Myriad Genetics, Inc.
Classification: Pathogenic for Acid sphingomyelinase deficiency. Last evaluated: 2024-08-25. Review status: criteria provided, single submitter. Criteria: Myriad Autosomal Dominant, Autosomal Recessive and X-Linked Classification Criteria (2023). Collection method: clinical testing. Allele origin: unknown.
Comment: NM_000543.4(SMPD1):c.616delC(L206Sfs*51) is expected to be pathogenic in the context of Niemann-Pick disease, SMPD1-related. This variant is predicted to lead to an abnormal or absent protein product due to the creation of a premature termination codon in SMPD1, a gene where loss-of-function variants are known to be pathogenic. Please note: this variant was assessed in the context of healthy population screening.

NM_000543.5(SMPD1):c.616del (p.Leu206fs)

Gene: SMPD1 (sphingomyelin phosphodiesterase 1; plus strand). Cytogenetic location: 11p15.4.
Variant type: Deletion.
Coding change: c.616del on transcript NM_000543.5 (MANE Select); coding-DNA position 616, one base deleted (C; older notation c.616delC).
Protein change: p.Leu206fs; shifts the reading frame from leucine 206.
Molecular consequence: frameshift variant. On other transcripts: 5 prime UTR variant (1), non-coding transcript variant (1).
Genome position (GRCh38, 1-based): chr11:6,391,681, C deleted; the last of 2 consecutive C bases (chr11:6,391,680-6,391,681); deleting either gives the same sequence. VCF-style (leftmost placement, unchanged base first): chr11-6391679-TC-T. GRCh37 (hg19) VCF-style: chr11-6412909-TC-T.
Other names: c.613del, p.Leu205fs (NM_001007593.3); c.616del, p.Leu206fs (NM_001318087.2, NM_001365135.2); c.-346del (NM_001318088.2); short protein forms L205fs, L206fs.
Identifiers: ClinVar variation 5013491 (VCV005013491.1).